The following is an entry in ClinVar:

NM_001382508.1(DROSHA):c.2580A>C (p.Ala860=)

Gene: DROSHA (drosha ribonuclease III; minus strand). Cytogenetic location: 5p13.3.
Variant type: single nucleotide variant.
Coding change: c.2580A>C on transcript NM_001382508.1 (MANE Select); coding-DNA position 2580, A replaced by C.
Protein change: p.Ala860=; no amino-acid change (alanine 860 retained).
Molecular consequence: synonymous variant.
Genome position (GRCh38, 1-based): chr5:31,451,635, T>G on the plus strand (A>C on the coding strand, the complement: DROSHA is on the minus strand). VCF-style: chr5-31451635-T-G. GRCh37 (hg19) VCF-style: chr5-31451742-T-G.
Other names: c.2469A>C, p.Ala823= (NM_001100412.2); c.2580A>C, p.Ala860= (NM_013235.5).
Identifiers: ClinVar variation 3043774 (VCV003043774.2), dbSNP rs917837039, ClinGen allele CA115795951.

ClinVar aggregate classification (germline): Likely benign (0 of 4 stars; one submission).

Conditions:
DROSHA-related disorder. Also called: DROSHA-related condition.

Allele frequency attached by ClinVar (database versions not stated): TOPMed below 0.00001; gnomAD 0.00001.
gnomAD v4.1: 1 of 1,607,596 alleles (0.000062%); highest among the groups gnomAD compares: African/African-American, 0.0013%; no homozygotes.

Submission:

PreventionGenetics, part of Exact Sciences
Classification: Likely benign for DROSHA-related condition. Last evaluated: 2023-12-06. Review status: no assertion criteria provided. Collection method: clinical testing. Allele origin: germline.
Comment: This variant is classified as likely benign based on ACMG/AMP sequence variant interpretation guidelines (Richards et al. 2015 PMID: 25741868, with internal and published modifications).